The following is an entry in ClinVar:

ClinVar aggregate classification (germline): Pathogenic. Review status: criteria provided, multiple submitters, no conflicts (2 of 4 stars). 2 submissions from 2 submitters: Pathogenic (2). Last evaluated 2022-07-03.

Conditions:
Hereditary cancer-predisposing syndrome. Also called: Hereditary neoplastic syndrome; Neoplastic Syndromes, Hereditary; Hereditary Cancer Syndrome; Tumor predisposition. Identifiers: Orphanet 140162, MedGen C0027672, MeSH D009386, MONDO:0015356.

Submissions (2):

Labcorp Genetics (formerly Invitae), Labcorp
Classification: Pathogenic. Last evaluated: 2022-07-03. Review status: criteria provided, single submitter. Criteria: Invitae Variant Classification Sherloc (09022015). Collection method: clinical testing. Allele origin: germline.
Comment: For these reasons, this variant has been classified as Pathogenic. ClinVar contains an entry for this variant (Variation ID: 965172). This variant has not been reported in the literature in individuals affected with MSH3-related conditions. This variant is not present in population databases (gnomAD no frequency). This sequence change creates a premature translational stop signal (p.Tyr818*) in the MSH3 gene. It is expected to result in an absent or disrupted protein product. Loss-of-function variants in MSH3 are known to be pathogenic (PMID: 27476653).

Ambry Genetics
Classification: Pathogenic for Hereditary cancer-predisposing syndrome. Last evaluated: 2022-03-07. Review status: criteria provided, single submitter. Criteria: Ambry Variant Classification Scheme 2023. Collection method: clinical testing. Allele origin: germline.
Comment: The p.Y818* pathogenic mutation (also known as c.2454T>A), located in coding exon 18 of the MSH3 gene, results from a T to A substitution at nucleotide position 2454. This changes the amino acid from a tyrosine to a stop codon within coding exon 18. This variant is considered to be rare based on population cohorts in the Genome Aggregation Database (gnomAD). This alteration is expected to result in loss of function by premature protein truncation or nonsense-mediated mRNA decay. As such, this alteration is interpreted as a disease-causing mutation.

Literature cited by the submitters: PubMed 27476653 (cited by Labcorp Genetics (formerly Invitae), Labcorp).

NM_002439.5(MSH3):c.2454T>A (p.Tyr818Ter)

Gene: MSH3 (mutS homolog 3; plus strand). Cytogenetic location: 5q14.1.
Variant type: single nucleotide variant.
Coding change: c.2454T>A on transcript NM_002439.5 (MANE Select); coding-DNA position 2454, T replaced by A.
Protein change: p.Tyr818Ter; replaces tyrosine 818 with a stop codon.
Molecular consequence: nonsense.
Genome position (GRCh38, 1-based): chr5:80,787,583, T>A. VCF-style: chr5-80787583-T-A. GRCh37 (hg19) VCF-style: chr5-80083402-T-A.
Other names: short protein forms Y818*.
Identifiers: ClinVar variation 965172 (VCV000965172.10), dbSNP rs1744531551, ClinGen allele CA360283016.